The following is an entry in ClinVar:

NM_000053.4(ATP7B):c.2002del (p.Leu667_Met668insTer)

Gene: ATP7B (ATPase copper transporting beta; minus strand). Cytogenetic location: 13q14.3.
Variant type: Deletion.
Coding change: c.2002del on transcript NM_000053.4 (MANE Select); coding-DNA position 2002, one base deleted (A; older notation c.2002delA).
Protein change: p.Leu667_Met668insTer.
Molecular consequence: nonsense. On other transcripts: intron variant (13).
Genome position (GRCh38, 1-based): chr13:51,960,267, T deleted on the plus strand (A on the coding strand, the reverse complement: ATP7B is on the minus strand); the first of 2 consecutive T bases (chr13:51,960,267-51,960,268); deleting either gives the same sequence. VCF-style (leftmost placement, unchanged base first): chr13-51960266-AT-A. GRCh37 (hg19) VCF-style: chr13-52534402-AT-A.
Other names: c.1669del, p.Leu556_Met557insTer (NM_001243182.2); c.2002del, p.Leu667_Met668insTer (NM_001330578.2, NM_001406511.1, NM_001406512.1 and 16 more transcripts); c.1969del, p.Leu656_Met657insTer (NM_001406514.1, NM_001406524.1); c.1906del, p.Leu635_Met636insTer (NM_001406517.1, NM_001406518.1, NM_001406530.1 and 1 more transcripts); c.2002del (NM_000053.3); c.1573del, p.Leu524_Met525insTer (NM_001406539.1); c.1870-2660del (NM_001406541.1, NM_001005918.3, NM_001406546.1 and 1 more transcripts); c.1870-1723del (NM_001406531.1, NM_001406532.1, NM_001406540.1 and 1 more transcripts); and 4 more.
Identifiers: ClinVar variation 3075807 (VCV003075807.2), dbSNP rs2547725494, ClinGen allele CA2623115988.
Genomic context (GRCh38, chr13:51,960,266, plus strand): 5'-ATGTTGTGGTCCAGGACCATGGACTGGTGGGGCTCGTTGCTGGGTATCAGCATATAGATC[AT>A]TAAGGCCATGACAGGGATGCCAAACACCAGGCTGCACAGGAAAGACTTCTTCCACCTGGA-3'

ClinVar aggregate classification (germline): Likely pathogenic. Review status: criteria provided, multiple submitters, no conflicts (2 of 4 stars). 2 submissions from 2 submitters: Likely pathogenic (2). Last evaluated 2024-12-04.

Conditions:
Wilson disease (WND). Also called: Wilson's disease. Identifiers: Orphanet 905, MedGen C0019202, MONDO:0010200, OMIM 277900. Disease mechanism: loss of function.

Submissions (2):

Natera, Inc.
Classification: Likely pathogenic for Wilson disease. Last evaluated: 2024-12-04. Review status: criteria provided, single submitter. Criteria: Natera Variant Classification Schema (03/2026). Collection method: clinical testing. Allele origin: germline.
Comment: The c.2002del variant in ATP7B is a frameshift variant predicted to shift the reading frame and introduce a stop codon. This variant is expected to result in nonsense mediated decay, truncation, or a dysfunctional protein product. This variant is rare in the general population with a frequency below the threshold expected for the associated phenotype(s). Given the available evidence, this variant is classified as Likely Pathogenic.

Laboratory for Molecular Medicine, Mass General Brigham Personalized Medicine
Classification: Likely pathogenic for Wilson disease. Last evaluated: 2020-06-11. Review status: criteria provided, single submitter. Criteria: ACMG Guidelines, 2015. Collection method: clinical testing. Allele origin: germline.
Comment: The p.Met668X variant in ATP7B has not been previously reported in individuals with Wilson disease and was absent from large population studies. This nonsense variant leads to a premature termination codon at position 668, which is predicted to lead to a truncated or absent protein. Loss of function of the ATP7B gene is an established disease mechanism in autosomal recessive Wilson disease. In summary, although additional studies are required to fully establish its clinical significance, this variant meets criteria to be classified as likely pathogenic for autosomal recessive Wilson disease. ACMG/AMP Criteria applied: PVS1, PM2.